The following is an entry in ClinVar:

ClinVar aggregate classification (germline): Uncertain significance (1 of 4 stars; one submission).

Conditions:
Hearing impairment. Also called: Impaired Hearing. Identifiers: MedGen C1384666, MONDO:0005365, HP:0000365.

Submission:

Department of Otolaryngology – Head & Neck Surgery, Cochlear Implant Center
Classification: Uncertain significance for Hearing impairment. Last evaluated: 2021-04-12. Review status: criteria provided, single submitter. Criteria: ClinGen HL ACMG Specifications v1. Collection method: clinical testing. Allele origin: germline. Affected: yes.
Comment: PM2_Moderate, PP3_Supporting

NM_002160.4(TNC):c.490C>G (p.Arg164Gly)

Gene: TNC (tenascin C; minus strand). Cytogenetic location: 9q33.1.
Variant type: single nucleotide variant.
Coding change: c.490C>G on transcript NM_002160.4 (MANE Select); coding-DNA position 490, C replaced by G.
Protein change: p.Arg164Gly; replaces arginine 164 with glycine.
Molecular consequence: missense variant.
Genome position (GRCh38, 1-based): chr9:115,087,241, G>C on the plus strand (C>G on the coding strand, the complement: TNC is on the minus strand). VCF-style: chr9-115087241-G-C. GRCh37 (hg19) VCF-style: chr9-117849520-G-C.
Other names: short protein forms R164G.
Identifiers: ClinVar variation 1064894 (VCV001064894.3), dbSNP rs778273542, ClinGen allele CA374631334.